The following is an entry in ClinVar:

NM_025074.7(FRAS1):c.6263A>G (p.Gln2088Arg)

Gene: FRAS1 (Fraser extracellular matrix complex subunit 1; plus strand). Cytogenetic location: 4q21.21.
Variant type: single nucleotide variant.
Coding change: c.6263A>G on transcript NM_025074.7 (MANE Select); coding-DNA position 6263, A replaced by G.
Protein change: p.Gln2088Arg; replaces glutamine 2088 with arginine.
Molecular consequence: missense variant.
Genome position (GRCh38, 1-based): chr4:78,448,305, A>G. VCF-style: chr4-78448305-A-G. GRCh37 (hg19) VCF-style: chr4-79369459-A-G.
Other names: short protein forms Q2088R.
Identifiers: ClinVar variation 3375452 (VCV003375452.1).
Genomic context (GRCh38, chr4:78,448,305, plus strand): 5'-AGATCTACACAGAACTGCCTGCAAGTGACACACCTCACTTGGCTATAAACCAAGGCCTAC[A>G]GCTCTCAGCAGGTACCACAGAAATAAAGGAGAGTGGCCATGGTTTTTCTATCCTTATTTC-3'
Protein context (NP_079350.5, residues 2078-2098): TPHLAINQGL[Gln2088Arg]LSAGSVARIT

ClinVar aggregate classification (germline): Uncertain significance (1 of 4 stars; one submission).

gnomAD v4.1: 5 of 1,606,568 alleles (0.00031%); highest among the groups gnomAD compares: African/African-American, 0.0067%; no homozygotes.

Submission:

Women's Health and Genetics/Laboratory Corporation of America, LabCorp
Classification: Uncertain significance. Last evaluated: 2024-09-16. Review status: criteria provided, single submitter. Criteria: LabCorp Variant Classification Summary - May 2015. Collection method: clinical testing. Allele origin: germline.
Comment: Variant summary: FRAS1 c.6263A>G (p.Gln2088Arg) results in a conservative amino acid change in the encoded protein sequence. Three of five in-silico tools predict a benign effect of the variant on protein function. The variant allele was found at a frequency of 4.2e-06 in 240102 control chromosomes. The available data on variant occurrences in the general population are insufficient to allow any conclusion about variant significance. To our knowledge, no occurrence of c.6263A>G in individuals affected with Cryptophthalmos Syndrome and no experimental evidence demonstrating its impact on protein function have been reported. No submitters have cited clinical-significance assessments for this variant to ClinVar. Based on the evidence outlined above, the variant was classified as uncertain significance.